The following is an entry in ClinVar:

ClinVar aggregate classification (germline): Uncertain significance (1 of 4 stars; one submission).

Conditions:
Familial thoracic aortic aneurysm and aortic dissection (TAAD). Also called: Thoracic aortic aneurysms and dissections. Identifiers: Orphanet 91387, MedGen C4707243, MONDO:0019625.

Allele frequency attached by ClinVar (database versions not stated): gnomAD exomes below 0.00001; gnomAD 0.00001; TOPMed 0.00001; ExAC 0.00002.
gnomAD v4.1: 3 of 1,613,420 alleles (0.00019%); highest among the groups gnomAD compares: African/African-American, 0.004%; no homozygotes.

Submission:

Color Diagnostics, LLC DBA Color Health
Classification: Uncertain significance for Familial thoracic aortic aneurysm and aortic dissection. Last evaluated: 2022-03-29. Review status: criteria provided, single submitter. Criteria: ACMG Guidelines, 2015. Collection method: clinical testing. Allele origin: germline.
Comment: This missense variant replaces alanine with valine at codon 1985 of the FBN1 protein. Computational prediction suggests that this variant may not impact protein structure and function (internally defined REVEL score threshold <= 0.5, PMID: 27666373). To our knowledge, functional studies have not been reported for this variant. This variant has not been reported in individuals affected with cardiovascular disorders in the literature. This variant has been identified in 2/251092 chromosomes in the general population by the Genome Aggregation Database (gnomAD). The available evidence is insufficient to determine the role of this variant in disease conclusively. Therefore, this variant is classified as a Variant of Uncertain Significance.

NM_000138.5(FBN1):c.5954C>T (p.Ala1985Val)

Gene: FBN1 (fibrillin 1; minus strand). Cytogenetic location: 15q21.1.
Variant type: single nucleotide variant.
Coding change: c.5954C>T on transcript NM_000138.5 (MANE Select); coding-DNA position 5954, C replaced by T.
Protein change: p.Ala1985Val; replaces alanine 1985 with valine.
Molecular consequence: missense variant.
Genome position (GRCh38, 1-based): chr15:48,444,624, G>A on the plus strand (C>T on the coding strand, the complement: FBN1 is on the minus strand). VCF-style: chr15-48444624-G-A. GRCh37 (hg19) VCF-style: chr15-48736821-G-A.
Other names: c.5954C>T, p.Ala1985Val (NM_001406716.1); short protein forms A1985V.
Identifiers: ClinVar variation 2773332 (VCV002773332.2), dbSNP rs765599101, ClinGen allele CA055900.